The following is an entry in ClinVar:

NM_000400.4(ERCC2):c.2015C>T (p.Thr672Met)

Gene: ERCC2 (ERCC excision repair 2, TFIIH core complex helicase subunit; minus strand). Cytogenetic location: 19q13.32.
Variant type: single nucleotide variant.
Coding change: c.2015C>T on transcript NM_000400.4 (MANE Select); coding-DNA position 2015, C replaced by T.
Protein change: p.Thr672Met; replaces threonine 672 with methionine.
Molecular consequence: missense variant.
Genome position (GRCh38, 1-based): chr19:45,352,537, G>A on the plus strand (C>T on the coding strand, the complement: ERCC2 is on the minus strand). VCF-style: chr19-45352537-G-A. GRCh37 (hg19) VCF-style: chr19-45855795-G-A.
Other names: c.2015C>T (NM_000400.3); short protein forms T672M.
Identifiers: ClinVar variation 1427004 (VCV001427004.8), dbSNP rs200438494, ClinGen allele CA9512938.
Genomic context (GRCh38, chr19:45,352,537, plus strand): 5'-GGAGCACAGGGGCACCCCTGAAGCTGCACCTTGTCGGCAAAGACCATGAGGCCGTAGTCC[G>A]TCTTGCCCCTGATGGCCCGACCCACACACTGGGCCGCGTGGCGCATGGCATCGAAGGTAA-3'
Protein context (NP_000391.1, residues 662-682): QCVGRAIRGK[Thr672Met]DYGLMVFADK

ClinVar aggregate classification (germline): Uncertain significance. Review status: criteria provided, multiple submitters, no conflicts (2 of 4 stars). 4 submissions from 4 submitters: Uncertain significance (4). Last evaluated 2026-01-12.

Conditions:
Inborn genetic diseases. Identifiers: MedGen C0950123, MeSH D030342.

Allele frequency attached by ClinVar (database versions not stated): gnomAD exomes 0.00001 and 0.00003; ExAC 0.00002; TOPMed 0.00004; gnomAD 0.00005 and 0.00006; ESP Exome Variant Server 0.00015.
gnomAD v4.1: 50 of 1,614,036 alleles (0.0031%); highest among the groups gnomAD compares: African/African-American, 0.0093%; no homozygotes.

Submissions (4):

Labcorp Genetics (formerly Invitae), Labcorp
Classification: Uncertain significance. Last evaluated: 2026-01-12. Review status: criteria provided, single submitter. Criteria: Invitae Variant Classification Sherloc (09022015). Collection method: clinical testing. Allele origin: germline.
Comment: This sequence change replaces threonine, which is neutral and polar, with methionine, which is neutral and non-polar, at codon 672 of the ERCC2 protein (p.Thr672Met). This variant is present in population databases (rs200438494, gnomAD 0.006%). This variant has not been reported in the literature in individuals affected with ERCC2-related conditions. ClinVar contains an entry for this variant (Variation ID: 1427004). Invitae Evidence Modeling of protein sequence and biophysical properties (such as structural, functional, and spatial information, amino acid conservation, physicochemical variation, residue mobility, and thermodynamic stability) indicates that this missense variant is not expected to disrupt ERCC2 protein function with a negative predictive value of 80%. In summary, the available evidence is currently insufficient to determine the role of this variant in disease. Therefore, it has been classified as a Variant of Uncertain Significance.

Blueprint Genetics
Classification: Uncertain significance. Last evaluated: 2024-08-01. Review status: criteria provided, single submitter. Criteria: ACMG Guidelines, 2015. Collection method: clinical testing. Allele origin: germline.

Women's Health and Genetics/Laboratory Corporation of America, LabCorp
Classification: Uncertain significance. Last evaluated: 2023-04-28. Review status: criteria provided, single submitter. Criteria: LabCorp Variant Classification Summary - May 2015. Collection method: clinical testing. Allele origin: germline.
Comment: Variant summary: ERCC2 c.2015C>T (p.Thr672Met) results in a non-conservative amino acid change located in the ATP-dependent helicase, C-terminal (IPR006555) of the encoded protein sequence. Five of five in-silico tools predict a damaging effect of the variant on protein function. The variant allele was found at a frequency of 1.2e-05 in 251382 control chromosomes. The available data on variant occurrences in the general population are insufficient to allow any conclusion about variant significance. To our knowledge, no occurrence of c.2015C>T in individuals affected with Xeroderma Pigmentosum and no experimental evidence demonstrating its impact on protein function have been reported. Two clinical diagnostic laboratories have submitted clinical-significance assessments for this variant to ClinVar after 2014 and classified the variant as uncertain significance. Based on the evidence outlined above, the variant was classified as uncertain significance.

Ambry Genetics
Classification: Uncertain significance for Inborn genetic diseases. Last evaluated: 2023-01-20. Review status: criteria provided, single submitter. Criteria: Ambry Variant Classification Scheme 2023. Collection method: clinical testing. Allele origin: germline.
Comment: The p.T672M variant (also known as c.2015C>T), located in coding exon 21 of the ERCC2 gene, results from a C to T substitution at nucleotide position 2015. The threonine at codon 672 is replaced by methionine, an amino acid with similar properties. This amino acid position is conserved. In addition, this alteration is predicted to be deleterious by in silico analysis. Since supporting evidence is limited at this time, the clinical significance of this alteration remains unclear.